The following is an entry in ClinVar:

ClinVar aggregate classification (germline): Uncertain significance. Review status: criteria provided, multiple submitters, no conflicts (2 of 4 stars). 4 submissions from 4 submitters: Uncertain significance (4). Last evaluated 2025-12-10.

Conditions:
Gastrointestinal stromal tumor. Also called: Gastrointestinal stromal tumor, somatic; Gastrointestinal stroma tumor. Identifiers: Orphanet 44890, MedGen C0238198, MeSH D046152, MONDO:0011719, OMIM 606764, HP:0100723.
Hereditary cancer-predisposing syndrome. Also called: Neoplastic Syndromes, Hereditary; Hereditary Cancer Syndrome; Tumor predisposition; Hereditary neoplastic syndrome. Identifiers: Orphanet 140162, MedGen C0027672, MeSH D009386, MONDO:0015356.

Allele frequency attached by ClinVar (database versions not stated): ExAC 0.00001; gnomAD 0.00001; gnomAD exomes 0.00001; TOPMed 0.00001.
gnomAD v4.1: 7 of 1,613,728 alleles (0.00043%); highest among the groups gnomAD compares: Non-Finnish European, 0.00059%; no homozygotes.

Submissions (4):

Labcorp Genetics (formerly Invitae), Labcorp
Classification: Uncertain significance for Gastrointestinal stromal tumor. Last evaluated: 2025-12-10. Review status: criteria provided, single submitter. Criteria: Invitae Variant Classification Sherloc (09022015). Collection method: clinical testing. Allele origin: germline.
Comment: This sequence change replaces threonine, which is neutral and polar, with isoleucine, which is neutral and non-polar, at codon 22 of the KIT protein (p.Thr22Ile). This variant is present in population databases (rs769943127, gnomAD 0.002%). This variant has not been reported in the literature in individuals affected with KIT-related conditions. ClinVar contains an entry for this variant (Variation ID: 658178). An algorithm developed to predict the effect of missense changes on protein structure and function (PolyPhen-2) suggests that this variant is likely to be tolerated. Algorithms developed to predict the effect of sequence changes on RNA splicing suggest that this variant may disrupt the consensus splice site. In summary, the available evidence is currently insufficient to determine the role of this variant in disease. Therefore, it has been classified as a Variant of Uncertain Significance.

Ambry Genetics
Classification: Uncertain significance for Hereditary cancer-predisposing syndrome. Last evaluated: 2024-12-12. Review status: criteria provided, single submitter. Criteria: Ambry Variant Classification Scheme 2023. Collection method: clinical testing. Allele origin: germline.
Comment: The p.T22I variant (also known as c.65C>T), located in coding exon 1 of the KIT gene, results from a C to T substitution at nucleotide position 65. The threonine at codon 22 is replaced by isoleucine, an amino acid with similar properties. This amino acid position is well conserved in available vertebrate species. In addition, this alteration is predicted to be tolerated by in silico analysis. Based on the available evidence, the clinical significance of this variant remains unclear.

Blueprint Genetics
Classification: Uncertain significance. Last evaluated: 2024-02-22. Review status: criteria provided, single submitter. Criteria: ACMG Guidelines, 2015. Collection method: clinical testing. Allele origin: germline.

GeneDx
Classification: Uncertain significance. Last evaluated: 2023-07-23. Review status: criteria provided, single submitter. Criteria: GeneDx Variant Classification Process June 2021. Collection method: clinical testing. Allele origin: germline. Affected: yes.
Comment: Not observed at significant frequency in large population cohorts (gnomAD); In silico analysis supports that this missense variant does not alter protein structure/function; Has not been previously published as pathogenic or benign to our knowledge

NM_000222.3(KIT):c.65C>T (p.Thr22Ile)

Gene: KIT (KIT proto-oncogene, receptor tyrosine kinase; plus strand). Cytogenetic location: 4q12.
Variant type: single nucleotide variant.
Coding change: c.65C>T on transcript NM_000222.3 (MANE Select); coding-DNA position 65, C replaced by T.
Protein change: p.Thr22Ile; replaces threonine 22 with isoleucine.
Molecular consequence: missense variant.
Genome position (GRCh38, 1-based): chr4:54,658,079, C>T. VCF-style: chr4-54658079-C-T. GRCh37 (hg19) VCF-style: chr4-55524246-C-T.
Other names: c.65C>T, p.Thr22Ile (NM_001093772.2, NM_001385284.1, NM_001385285.1 and 4 more transcripts); short protein forms T22I.
Identifiers: ClinVar variation 658178 (VCV000658178.12), dbSNP rs769943127, ClinGen allele CA2923124.